The following is an entry in ClinVar:

NM_020693.4(DSCAML1):c.3835_3837del (p.Lys1279del)

Gene: DSCAML1 (DS cell adhesion molecule like 1; minus strand). Cytogenetic location: 11q23.3.
Variant type: Deletion.
Coding change: c.3835_3837del on transcript NM_020693.4 (MANE Select); coding-DNA positions 3835 to 3837, 3 bases deleted (AAG; older notation c.3835_3837delAAG).
Protein change: p.Lys1279del; deletes lysine 1279.
Molecular consequence: inframe deletion.
Genome position (GRCh38, 1-based): chr11:117,443,911-117,443,913, CTT deleted on the plus strand (AAG on the coding strand, the reverse complement: DSCAML1 is on the minus strand); deleting any 3 consecutive bases within chr11:117,443,911-117,443,915 gives the same sequence; the c. name uses the placement nearest the transcript's 3' end. VCF-style (leftmost placement, unchanged base first): chr11-117443910-CCTT-C. GRCh37 (hg19) VCF-style: chr11-117314626-CCTT-C.
Other names: short protein forms K1279del.
Identifiers: ClinVar variation 1473294 (VCV001473294.6), dbSNP rs1346955852, ClinGen allele CA672234494.

ClinVar aggregate classification (germline): Uncertain significance (1 of 4 stars; one submission).

Submission:

Labcorp Genetics (formerly Invitae), Labcorp
Classification: Uncertain significance. Last evaluated: 2023-08-10. Review status: criteria provided, single submitter. Criteria: Invitae Variant Classification Sherloc (09022015). Collection method: clinical testing. Allele origin: germline.
Comment: This variant, c.4015_4017del, results in the deletion of 1 amino acid(s) of the DSCAML1 protein (p.Lys1339del), but otherwise preserves the integrity of the reading frame. In summary, the available evidence is currently insufficient to determine the role of this variant in disease. Therefore, it has been classified as a Variant of Uncertain Significance. Algorithms developed to predict the effect of sequence changes on RNA splicing suggest that this variant may disrupt the consensus splice site. ClinVar contains an entry for this variant (Variation ID: 1473294). This variant has not been reported in the literature in individuals affected with DSCAML1-related conditions. This variant is not present in population databases (gnomAD no frequency).